The following is an entry in ClinVar:

ClinVar aggregate classification (germline): Likely benign. Review status: reviewed by expert panel (3 of 4 stars). 21 submissions from 21 submitters: Likely benign (1). 20 of the submissions do not count toward it. Last evaluated 2017-06-29.

Conditions:
BRCA1-related disorder. Also called: BRCA1-related condition.
Breast and/or ovarian cancer. Identifiers: MedGen CN221562.
Hereditary cancer-predisposing syndrome. Also called: Tumor predisposition; Hereditary neoplastic syndrome; Hereditary Cancer Syndrome; Neoplastic Syndromes, Hereditary. Identifiers: Orphanet 140162, MedGen C0027672, MeSH D009386, MONDO:0015356.
Hereditary breast ovarian cancer syndrome. Also called: Hereditary breast and/or ovarian cancer syndrome; Breast and ovarian cancer; Hereditary breast and ovarian cancer syndrome; Hereditary breast and ovarian cancer; Hereditary breast and ovarian cancer syndrome (HBOC); BRCA1- and BRCA2-Associated Hereditary Breast and Ovarian Cancer. Identifiers: Orphanet 145, MedGen C0677776, MeSH D061325, MONDO:0003582. Disease mechanism: loss of function.
Breast-ovarian cancer, familial, susceptibility to, 1 (BROVCA1). Also called: BRCA1 Hereditary Breast and Ovarian Cancer; OVARIAN CANCER, SUSCEPTIBILITY TO. Identifiers: Orphanet 145, MedGen C2676676, MONDO:0011450, OMIM 604370. Disease mechanism: loss of function.
Malignant tumor of breast. Also called: Malignant breast neoplasm; Cancer breast. Identifiers: MedGen C0006142, MONDO:0007254. Disease mechanism: loss of function.

Allele frequency attached by ClinVar (database versions not stated): gnomAD 0.00024 and 0.00022; gnomAD exomes 0.00004 and 0.00009; ExAC 0.00007; TOPMed 0.00017; ESP Exome Variant Server 0.00023.
gnomAD v4.1: 85 of 1,610,252 alleles (0.0053%); highest among the groups gnomAD compares: African/African-American, 0.047%; no homozygotes.

Submissions (21):

Evidence-based Network for the Interpretation of Germline Mutant Alleles (ENIGMA)
Classification: Likely benign for Breast-ovarian cancer, familial, susceptibility to, 1. Last evaluated: 2017-06-29. Review status: reviewed by expert panel. Criteria: ENIGMA BRCA1/2 Classification Criteria (2017-06-29). Collection method: curation. Allele origin: germline.
Comment: Synonymous substitution variant, with low bioinformatic likelihood to result in a splicing aberration (Splicing prior probability 0.02).

Labcorp Genetics (formerly Invitae), Labcorp
Classification: Benign for Hereditary breast ovarian cancer syndrome. Last evaluated: 2026-01-22. Review status: criteria provided, single submitter. Criteria: Invitae Variant Classification Sherloc (09022015). Collection method: clinical testing. Allele origin: germline. Not counted in ClinVar's aggregate classification.

Center for Genomic Medicine, Rigshospitalet, Copenhagen University Hospital
Classification: Likely benign. Last evaluated: 2025-03-04. Review status: criteria provided, single submitter. Criteria: ACMG Guidelines, 2015. Collection method: clinical testing. Allele origin: germline. Not counted in ClinVar's aggregate classification.

Blueprint Genetics
Classification: Likely benign. Last evaluated: 2024-11-06. Review status: criteria provided, single submitter. Criteria: ACMG Guidelines, 2015. Collection method: clinical testing. Allele origin: germline. Not counted in ClinVar's aggregate classification.

ARUP Laboratories, Molecular Genetics and Genomics, ARUP Laboratories
Classification: Likely benign. Last evaluated: 2024-08-19. Review status: criteria provided, single submitter. Criteria: ARUP Molecular Germline Variant Investigation Process 2024. Collection method: clinical testing. Allele origin: germline. Not counted in ClinVar's aggregate classification.

German Consortium for Hereditary Breast and Ovarian Cancer, University Hospital Cologne
Classification: Likely benign for Hereditary breast ovarian cancer syndrome. Last evaluated: 2024-01-08. Review status: criteria provided, single submitter. Criteria: ClinGen BRCA1 V1.0.0. Collection method: curation. Allele origin: germline. Not counted in ClinVar's aggregate classification.
Comment: . According to the ClinGen ENIGMA BRCA1 v1.0.0 criteria we chose this criterium: BP1 (strong benign): BP1_Strong for silent substitution, missense or in-frame insertion, deletion or delins variants outside a (potentially) clinically important functional domain AND no splicing predicted (spliceAI: BRCA1: 0.01)

All of Us Research Program, National Institutes of Health
Classification: Likely benign for Breast-ovarian cancer, familial, susceptibility to, 1. Last evaluated: 2023-12-01. Review status: criteria provided, single submitter. Criteria: ACMG Guidelines, 2015. Collection method: clinical testing. Allele origin: germline. Inheritance: Autosomal dominant inheritance. Observed: 17 variant alleles, 17 heterozygotes. Not counted in ClinVar's aggregate classification.
Comment: This study involves interpretation of variants in research participants for the purpose of population health screening. Participant phenotype was not available at the time of variant classification. Additional details can be found in publication PMID: 35346344, PMCID: PMC8962531

CHEO Genetics Diagnostic Laboratory, Children's Hospital of Eastern Ontario
Classification: Likely benign for Breast and/or ovarian cancer. Last evaluated: 2022-10-19. Review status: criteria provided, single submitter. Criteria: ACMG Guidelines, 2015. Collection method: clinical testing. Allele origin: germline. Not counted in ClinVar's aggregate classification.

Quest Diagnostics Nichols Institute San Juan Capistrano
Classification: Benign. Last evaluated: 2022-08-26. Review status: criteria provided, single submitter. Criteria: Quest Diagnostics criteria. Collection method: clinical testing. Allele origin: unknown. Not counted in ClinVar's aggregate classification.

Sema4
Classification: Likely benign for Hereditary cancer-predisposing syndrome. Last evaluated: 2021-06-15. Review status: criteria provided, single submitter. Criteria: Sema4 Curation Guidelines. Collection method: curation. Allele origin: germline. Not counted in ClinVar's aggregate classification.

Women's Health and Genetics/Laboratory Corporation of America, LabCorp
Classification: Likely benign. Last evaluated: 2019-08-21. Review status: criteria provided, single submitter. Criteria: LabCorp Variant Classification Summary - May 2015. Collection method: clinical testing. Allele origin: germline. Not counted in ClinVar's aggregate classification.

Genetic Services Laboratory, University of Chicago
Classification: Likely benign. Last evaluated: 2019-07-14. Review status: criteria provided, single submitter. Criteria: ACMG Guidelines, 2015. Collection method: clinical testing. Allele origin: germline. Affected: no. Not counted in ClinVar's aggregate classification.

Mendelics
Classification: Likely benign for Breast-ovarian cancer, familial, susceptibility to, 1. Last evaluated: 2019-05-28. Review status: criteria provided, single submitter. Criteria: Mendelics Assertion Criteria 2017. Collection method: clinical testing. Allele origin: unknown. Not counted in ClinVar's aggregate classification.

Color Diagnostics, LLC DBA Color Health
Classification: Likely benign for Hereditary cancer-predisposing syndrome. Last evaluated: 2016-01-13. Review status: criteria provided, single submitter. Criteria: ACMG Guidelines, 2015. Collection method: clinical testing. Allele origin: germline. Not counted in ClinVar's aggregate classification.

Ambry Genetics
Classification: Likely benign for Hereditary cancer-predisposing syndrome. Last evaluated: 2014-09-18. Review status: criteria provided, single submitter. Criteria: Ambry Variant Classification Scheme 2023. Collection method: clinical testing. Allele origin: germline. Not counted in ClinVar's aggregate classification.

GeneDx
Classification: Benign. Last evaluated: 2013-11-04. Review status: criteria provided, single submitter. Criteria: GeneDx Variant Classification (06012015). Collection method: clinical testing. Allele origin: germline. Affected: yes. Not counted in ClinVar's aggregate classification.
Comment: This variant is considered likely benign or benign based on one or more of the following criteria: it is a conservative change, it occurs at a poorly conserved position in the protein, it is predicted to be benign by multiple in silico algorithms, and/or has population frequency not consistent with disease.

PreventionGenetics, part of Exact Sciences
Classification: Likely benign for BRCA1-related condition. Last evaluated: 2019-05-29. Review status: no assertion criteria provided. Collection method: clinical testing. Allele origin: germline. Not counted in ClinVar's aggregate classification.
Comment: This variant is classified as likely benign based on ACMG/AMP sequence variant interpretation guidelines (Richards et al. 2015 PMID: 25741868, with internal and published modifications).

Clinical Genetics DNA and cytogenetics Diagnostics Lab, Erasmus MC, Erasmus Medical Center
Classification: Likely benign. Review status: no assertion criteria provided. Collection method: clinical testing. Allele origin: germline. Affected: yes. Study: VKGL Data-share Consensus. Not counted in ClinVar's aggregate classification.

Department of Pathology and Laboratory Medicine, Sinai Health System
Classification: Likely benign for Malignant tumor of breast. Review status: no assertion criteria provided. Collection method: clinical testing. Allele origin: unknown. Affected: yes. Observed: 1 variant allele. Study: The Canadian Open Genetics Repository (COGR). Not counted in ClinVar's aggregate classification.
Comment: The p.Thr176Thr variant has been identified in two cases were identified in the UMD database and they were reported as unclassified variant. It is also listed in the dbSNP database (ID#: rs34545365) an infrequent variant with an average heterozygosity of 0.002+/-0.032, and increasing the likelihood that this variant is benign. This variant is not expected to have clinical significance because it does not alter an amino acid residue, and occurs outside of the splicing consensus sequence. In-silico or computational prediction software (SpliceSiteFinder, MaxEntScan, NNSPLICE, GeneSplicer, HumanSpliceFinder) do not predict change at the splice site, however this information is not very predictive of pathogenicity. In summary, we cannot rule out that this variant may contribute to or modify the clinical features observed in this individual, but based on the above information, this variant is classified as predicted benign.

Genome Diagnostics Laboratory, University Medical Center Utrecht
Classification: Likely benign. Review status: no assertion criteria provided. Collection method: clinical testing. Allele origin: germline. Affected: yes. Study: VKGL Data-share Consensus. Not counted in ClinVar's aggregate classification.

Joint Genome Diagnostic Labs from Nijmegen and Maastricht, Radboudumc and MUMC+
Classification: Likely benign. Review status: no assertion criteria provided. Collection method: clinical testing. Allele origin: germline. Affected: yes. Study: VKGL Data-share Consensus. Not counted in ClinVar's aggregate classification.

NM_007294.4(BRCA1):c.528G>A (p.Thr176=)

Gene: BRCA1 (BRCA1 DNA repair associated; minus strand). Cytogenetic location: 17q21.31.
Variant type: single nucleotide variant.
Coding change: c.528G>A on transcript NM_007294.4 (MANE Select); coding-DNA position 528, G replaced by A.
Protein change: p.Thr176=; no amino-acid change (threonine 176 retained).
Molecular consequence: synonymous variant. On other transcripts: intron variant (2).
Genome position (GRCh38, 1-based): chr17:43,099,794, C>T on the plus strand (G>A on the coding strand, the complement: BRCA1 is on the minus strand). VCF-style: chr17-43099794-C-T. GRCh37 (hg19) VCF-style: chr17-41251811-C-T.
Other names: p.T176T:ACG>ACA; c.315G>A, p.Thr105= (NM_001407571.1, NM_001407853.1, NM_001407894.1 and 18 more transcripts); c.528G>A, p.Thr176= (NM_001407581.1, NM_001407582.1, NM_001407583.1 and 97 more transcripts); c.525G>A, p.Thr175= (NM_001407587.1, NM_001407590.1, NM_001407591.1 and 65 more transcripts); c.519G>A, p.Thr173= (NM_001407646.1, NM_001407647.1, NM_001408408.1); c.450G>A, p.Thr150= (NM_001407653.1, NM_001407654.1, NM_001407655.1 and 12 more transcripts); c.447G>A, p.Thr149= (NM_001407659.1, NM_001407660.1, NM_001407661.1 and 6 more transcripts); c.387G>A, p.Thr129= (NM_001407692.1, NM_001407694.1, NM_001407695.1 and 61 more transcripts); and 6 more.
Identifiers: ClinVar variation 136538 (VCV000136538.45), dbSNP rs34545365, ClinGen allele CA003448.